The following is an entry in ClinVar:

ClinVar aggregate classification (germline): Pathogenic (1 of 4 stars; one submission).

Conditions:
Arrhythmogenic right ventricular dysplasia 10. Also called: Arrhythmogenic Right Ventricular Dysplasia/Cardiomyopathy10; Arrhythmogenic right ventricular dysplasia/cardiomyopathy, type 10; ARRHYTHMOGENIC RIGHT VENTRICULAR DYSPLASIA, FAMILIAL, 10. Identifiers: MedGen C1857777, MONDO:0012434, OMIM 610193.

Submission:

Labcorp Genetics (formerly Invitae), Labcorp
Classification: Pathogenic for Arrhythmogenic right ventricular dysplasia 10. Last evaluated: 2025-04-11. Review status: criteria provided, single submitter. Criteria: Invitae Variant Classification Sherloc (09022015). Collection method: clinical testing. Allele origin: germline.
Comment: This sequence change creates a premature translational stop signal (p.Leu126Cysfs*2) in the DSG2 gene. It is expected to result in an absent or disrupted protein product. Loss-of-function variants in DSG2 are known to be pathogenic (PMID: 17105751, 31386562). This variant is not present in population databases (gnomAD no frequency). This premature translational stop signal has been observed in individual(s) with DSG2-related conditions (PMID: 34984526). This variant is also known as c.370delT (p.L126Cfs). For these reasons, this variant has been classified as Pathogenic.

Literature cited by the submitters: PubMed 17105751; PubMed 31386562; PubMed 34984526.

NM_001943.5(DSG2):c.375del (p.Leu126fs)

Gene: DSG2 (desmoglein 2; plus strand). Cytogenetic location: 18q12.1.
Variant type: Deletion.
Coding change: c.375del on transcript NM_001943.5 (MANE Select); coding-DNA position 375, one base deleted (T; older notation c.375delT).
Protein change: p.Leu126fs; shifts the reading frame from leucine 126.
Molecular consequence: frameshift variant.
Genome position (GRCh38, 1-based): chr18:31,520,961, T deleted; the last of 6 consecutive T bases (chr18:31,520,956-31,520,961); deleting any one gives the same sequence. VCF-style (leftmost placement, unchanged base first): chr18-31520955-AT-A. GRCh37 (hg19) VCF-style: chr18-29100918-AT-A.
Other names: short protein forms L126fs.
Identifiers: ClinVar variation 4710830 (VCV004710830.1).
Genomic context (GRCh38, chr18:31,520,955, plus strand): 5'-CTTTAACAAAGATACTGGAGAACTGAATGTTACCAGCATTCTTGATCGAGAAGAAACACC[AT>A]TTTTTCTGGTAAGAAGAATAATTTTAGATTTATTAGTTTGTAGTTTTTCTGTCATAATAA-3'